The following is an entry in ClinVar:

NM_021098.3(CACNA1H):c.28G>A (p.Glu10Lys)

Gene: CACNA1H (calcium voltage-gated channel subunit alpha1 H; plus strand). Cytogenetic location: 16p13.3.
Variant type: single nucleotide variant.
Coding change: c.28G>A on transcript NM_021098.3 (MANE Select); coding-DNA position 28, G replaced by A.
Protein change: p.Glu10Lys; replaces glutamic acid 10 with lysine.
Molecular consequence: missense variant.
Genome position (GRCh38, 1-based): chr16:1,153,765, G>A. VCF-style: chr16-1153765-G-A. GRCh37 (hg19) VCF-style: chr16-1203765-G-A.
Other names: c.28G>A, p.Glu10Lys (NM_001005407.2); short protein forms E10K.
Identifiers: ClinVar variation 572250 (VCV000572250.9), dbSNP rs1266233731, ClinGen allele CA394145295.

ClinVar aggregate classification (germline): Uncertain significance. Review status: criteria provided, multiple submitters, no conflicts (2 of 4 stars). 2 submissions from 2 submitters: Uncertain significance (2). Last evaluated 2024-04-15.

Conditions:
Hyperaldosteronism, familial, type IV (HALD4). Also called: FH IV; ALDOSTERONISM, PRIMARY, AND HYPERTENSION. Identifiers: Orphanet 642671, MedGen C4310756, MONDO:0014875, OMIM 617027.
Epilepsy, childhood absence, susceptibility to, 6. Identifiers: Orphanet 64280, MedGen C2749872, MONDO:0012763, OMIM 611942.
Idiopathic generalized epilepsy. Also called: Generalised epilepsy; EIG. Identifiers: MedGen C0270850, MONDO:0005579, OMIM 600669.

Allele frequency attached by ClinVar (database versions not stated): gnomAD 0.00001; TOPMed 0.00002.

Submissions (2):

Fulgent Genetics
Classification: Uncertain significance for Epilepsy, childhood absence, susceptibility to, 6; Hyperaldosteronism, familial, type IV. Last evaluated: 2024-04-15. Review status: criteria provided, single submitter. Criteria: ACMG Guidelines, 2015. Collection method: clinical testing. Allele origin: germline.

Labcorp Genetics (formerly Invitae), Labcorp
Classification: Uncertain significance for Idiopathic generalized epilepsy; Hyperaldosteronism, familial, type IV. Last evaluated: 2023-12-12. Review status: criteria provided, single submitter. Criteria: Invitae Variant Classification Sherloc (09022015). Collection method: clinical testing. Allele origin: germline.
Comment: This sequence change replaces glutamic acid, which is acidic and polar, with lysine, which is basic and polar, at codon 10 of the CACNA1H protein (p.Glu10Lys). This variant is not present in population databases (gnomAD no frequency). This variant has not been reported in the literature in individuals affected with CACNA1H-related conditions. ClinVar contains an entry for this variant (Variation ID: 572250). Advanced modeling of protein sequence and biophysical properties (such as structural, functional, and spatial information, amino acid conservation, physicochemical variation, residue mobility, and thermodynamic stability) performed at Invitae indicates that this missense variant is not expected to disrupt CACNA1H protein function with a negative predictive value of 95%. In summary, the available evidence is currently insufficient to determine the role of this variant in disease. Therefore, it has been classified as a Variant of Uncertain Significance.